The following is an entry in ClinVar:

ClinVar aggregate classification (germline): Benign (3 of 4 stars; one submission).

Conditions:
Hereditary thrombocytopenia and hematologic cancer predisposition syndrome. Identifiers: Orphanet 71290, MedGen CN281654, MONDO:0011071.

Submission:

ClinGen Myeloid Malignancy Variant Curation Expert Panel
Classification: Benign for Hereditary thrombocytopenia and hematologic cancer predisposition syndrome. Last evaluated: 2020-05-13. Review status: reviewed by expert panel. Criteria: ClinGen MyeloMalig ACMG Specifications v1. Collection method: curation. Allele origin: germline. Inheritance: Autosomal dominant inheritance.
Comment: The RUNX1 c.*2201dup variant in the 3' UTR has an MAF of 0.02216 (2.2%, 1429/64490 alleles) in the non-Finnish European subpopulation of the gnomAD v3 cohort and is >= 0.0015 (0.15%) (BA1). This variant is detected in a homozygous state in 26 individuals in the gnomAD v3 population database (BP2). In summary, this variant meets criteria to be classified as benign. ACMG/AMP criteria applied, as specified by the Myeloid Malignancy Variant Curation Expert Panel for RUNX1: BA1, BP2.

NM_001754.5(RUNX1):c.*2201dup

Gene: RUNX1 (RUNX family transcription factor 1; minus strand). Cytogenetic location: 21q22.12.
Variant type: Duplication.
Coding change: c.*2201dup on transcript NM_001754.5 (MANE Select); 2201 bases downstream of the stop codon, one base duplicated (T; older notation c.*2201dupT).
Molecular consequence: 3 prime UTR variant.
Genome position (GRCh38, 1-based): chr21:34,789,934, A duplicated on the plus strand (T on the coding strand, the reverse complement: RUNX1 is on the minus strand); the first of 8 consecutive A bases (chr21:34,789,934-34,789,941); duplicating any one gives the same sequence. VCF-style (leftmost placement, unchanged base first): chr21-34789933-G-GA. GRCh37 (hg19) VCF-style: chr21-36162230-G-GA.
Other names: c.*2201dup (NM_001754.4, NM_001001890.3).
Identifiers: ClinVar variation 339837 (VCV000339837.6), dbSNP rs201214658, ClinGen allele CA10650422.
Genomic context (GRCh38, chr21:34,789,933, plus strand): 5'-ATAATTTTTTCCTTCATTTTTCTCCAGCATTTTTGCAGGTCAGACATGGTAACATGTGCT[G>GA]AAAAAAAACATTTACGTTTAATTTGGGGGAAATGGGCTAATGGTGCTTTTCAGAAATTAA-3'